The following is an entry in ClinVar:

ClinVar aggregate classification (germline): Likely pathogenic (1 of 4 stars; one submission).

Conditions:
Developmental and epileptic encephalopathy, 84. Also called: EPILEPTIC ENCEPHALOPATHY, EARLY IFANTILE, 84. Identifiers: MedGen C5394081, MONDO:0032918, OMIM 618792.

Submission:

Pittsburgh Clinical Genomics Laboratory, University of Pittsburgh Medical Center
Classification: Likely pathogenic for Developmental and epileptic encephalopathy, 84. Last evaluated: 2022-08-19. Review status: criteria provided, single submitter. Criteria: ACMG Guidelines, 2015. Collection method: clinical testing. Allele origin: germline. Inheritance: Autosomal recessive inheritance. Affected: yes.
Comment: This sequence variant is a 4-nucleotide deletion (delCAGA) at coding position 528-531 of the UGDH gene that results in an early termition codon 3 amino acids downstream of the frameshift introduced at Asp176. This variant is predicted to generate a non-functiol allele through either the expression of a truncated protein or a loss of UGDH expression due to nonsense mediated decay. This variant has not been previously reported to databases of clinically annotated variants or observed in the literature in individuals with UGDH-related disease. This variant is present in control population datasets (gnomAD database 1 of 251474 alleles or 0.0004%). Because haploinsufficiency is a known mechanism of disease for UGDH, we consider this variant likely pathogenic. ACMG Criteria: PM2, PVS1

NM_003359.4(UGDH):c.528_531del (p.Asp176fs)

Gene: UGDH (UDP-glucose 6-dehydrogenase; minus strand). Cytogenetic location: 4p14.
Variant type: Microsatellite.
Coding change: c.528_531del on transcript NM_003359.4 (MANE Select); coding-DNA positions 528 to 531, 4 bases deleted (CAGA; older notation c.528_531delCAGA).
Protein change: p.Asp176fs; shifts the reading frame from aspartic acid 176.
Molecular consequence: frameshift variant.
Genome position (GRCh38, 1-based): chr4:39,510,485-39,510,488, TCTG deleted on the plus strand (CAGA on the coding strand, the reverse complement: UGDH is on the minus strand); deleting any 4 consecutive bases within chr4:39,510,485-39,510,492 gives the same sequence; the c. name uses the placement nearest the transcript's 3' end. VCF-style (leftmost placement, unchanged base first): chr4-39510484-CTCTG-C. GRCh37 (hg19) VCF-style: chr4-39512104-CTCTG-C.
Other names: c.327_330del, p.Asp109fs (NM_001184700.2); c.237_240del, p.Asp79fs (NM_001184701.2); short protein forms D109fs, D176fs, D79fs.
Identifiers: ClinVar variation 3376216 (VCV003376216.1).